The following is an entry in ClinVar:

NM_020708.5(SLC12A5):c.1552A>G (p.Ile518Val)

Gene: SLC12A5 (solute carrier family 12 member 5; plus strand). Cytogenetic location: 20q13.12.
Variant type: single nucleotide variant.
Coding change: c.1552A>G on transcript NM_020708.5 (MANE Select); coding-DNA position 1552, A replaced by G.
Protein change: p.Ile518Val; replaces isoleucine 518 with valine.
Molecular consequence: missense variant.
Genome position (GRCh38, 1-based): chr20:46,045,123, A>G. VCF-style: chr20-46045123-A-G. GRCh37 (hg19) VCF-style: chr20-44673762-A-G.
Other names: c.1621A>G, p.Ile541Val (NM_001134771.2); short protein forms I518V, I541V.
Identifiers: ClinVar variation 2636277 (VCV002636277.2), dbSNP rs2515643102, ClinGen allele CA409195452.

ClinVar aggregate classification (germline): Uncertain significance (0 of 4 stars; one submission).

Conditions:
SLC12A5-related disorder. Also called: SLC12A5-related condition.

Submission:

PreventionGenetics, part of Exact Sciences
Classification: Uncertain significance for SLC12A5-related condition. Last evaluated: 2024-06-19. Review status: no assertion criteria provided. Collection method: clinical testing. Allele origin: germline.
Comment: The SLC12A5 c.1552A>G variant is predicted to result in the amino acid substitution p.Ile518Val. To our knowledge, this variant has not been reported in the literature or in a large population database, indicating this variant is rare. At this time, the clinical significance of this variant is uncertain due to the absence of conclusive functional and genetic evidence.